The following is an entry in ClinVar:

NM_170662.5(CBLB):c.2569+1609A>C

Gene: CBLB (Cbl proto-oncogene B; minus strand). Cytogenetic location: 3q13.11.
Variant type: single nucleotide variant.
Coding change: c.2569+1609A>C on transcript NM_170662.5 (MANE Select); 1609 bases into the intron after coding-DNA position 2569, A replaced by C.
Molecular consequence: intron variant.
Genome position (GRCh38, 1-based): chr3:105,676,822, T>G on the plus strand (A>C on the coding strand, the complement: CBLB is on the minus strand). VCF-style: chr3-105676822-T-G. GRCh37 (hg19) VCF-style: chr3-105395666-T-G.
Other names: c.2503+1609A>C (NM_001321790.2); c.2422+1609A>C (NM_001321796.2, NM_001321794.2, NM_001321795.2); c.1789+1609A>C (NM_001321806.2, NM_001321807.2); c.2290+1609A>C (NM_001321797.2, NM_001321799.2, NM_001321798.2); c.2437+1609A>C (NM_001321791.2, NM_001321793.2); c.2569+1609A>C (NM_001321788.2); c.1657+1609A>C (NM_001321808.2); c.1249+1609A>C (NM_001321820.2); and 5 more.
Identifiers: ClinVar variation 3902046 (VCV003902046.1).

ClinVar aggregate classification (germline): Uncertain significance (1 of 4 stars; one submission).

Conditions:
Autoimmune disease, multisystem, infantile-onset, 3 (ADMIO3). Also called: CBLB DEFICIENCY. Identifiers: MedGen C5830600, MONDO:0957388, OMIM 620430.

Submission:

Laboratorio de Genetica e Diagnostico Molecular, Hospital Israelita Albert Einstein
Classification: Uncertain significance for Autoimmune disease, multisystem, infantile-onset, 3. Last evaluated: 2024-02-09. Review status: criteria provided, single submitter. Criteria: ACMG Guidelines, 2015. Collection method: clinical testing. Allele origin: germline. Affected: yes.
Comment: ACMG classification criteria: PM2 moderate